The following is an entry in ClinVar:

ClinVar aggregate classification (germline): Likely benign (1 of 4 stars; one submission).

Allele frequency attached by ClinVar (database versions not stated): ExAC 0.00001; gnomAD exomes 0.00001.
gnomAD v4.1: 5 of 1,613,390 alleles (0.00031%); highest among the groups gnomAD compares: South Asian, 0.0044%; no homozygotes.

Submission:

CeGaT Center for Human Genetics Tuebingen
Classification: Likely benign. Last evaluated: 2022-10-01. Review status: criteria provided, single submitter. Criteria: CeGaT Center For Human Genetics Tuebingen Variant Classification Criteria Version 2. Collection method: clinical testing. Allele origin: germline. Affected: yes. Observed: 1 variant allele.
Comment: TRIP12: BP4, BP7

NM_001348323.3(TRIP12):c.5106T>C (p.Gly1702=)

Gene: TRIP12 (thyroid hormone receptor interactor 12; minus strand). Cytogenetic location: 2q36.3.
Variant type: single nucleotide variant.
Coding change: c.5106T>C on transcript NM_001348323.3 (MANE Select); coding-DNA position 5106, T replaced by C.
Protein change: p.Gly1702=; no amino-acid change (glycine 1702 retained).
Molecular consequence: synonymous variant.
Genome position (GRCh38, 1-based): chr2:229,778,979, A>G on the plus strand (T>C on the coding strand, the complement: TRIP12 is on the minus strand). VCF-style: chr2-229778979-A-G. GRCh37 (hg19) VCF-style: chr2-230643695-A-G.
Other names: c.5028T>C, p.Gly1676= (NM_001348333.1); c.4881T>C, p.Gly1627= (NM_004238.3); c.5025T>C, p.Gly1675= (NM_001284214.2, NM_001348315.2); c.4980T>C, p.Gly1660= (NM_001284215.2, NM_001348316.2); c.4071T>C, p.Gly1357= (NM_001284216.2); c.4965T>C, p.Gly1655= (NM_001348317.1, NM_001348318.2); c.5091T>C, p.Gly1697= (NM_001348319.1, NM_001348320.2); c.5094T>C, p.Gly1698= (NM_001348321.1); and 4 more.
Identifiers: ClinVar variation 2651975 (VCV002651975.24), dbSNP rs754853347, ClinGen allele CA2152391.